The following is an entry in ClinVar:

NM_017617.5(NOTCH1):c.1116C>G (p.Leu372=)

Gene: NOTCH1 (notch receptor 1; minus strand). Cytogenetic location: 9q34.3.
Variant type: single nucleotide variant.
Coding change: c.1116C>G on transcript NM_017617.5 (MANE Select); coding-DNA position 1116, C replaced by G.
Protein change: p.Leu372=; no amino-acid change (leucine 372 retained).
Molecular consequence: synonymous variant.
Genome position (GRCh38, 1-based): chr9:136,518,276, G>C on the plus strand (C>G on the coding strand, the complement: NOTCH1 is on the minus strand). VCF-style: chr9-136518276-G-C. GRCh37 (hg19) VCF-style: chr9-139412728-G-C.
Other names: c.1116C>G (NM_017617.4).
Identifiers: ClinVar variation 699750 (VCV000699750.12), dbSNP rs372623058, ClinGen allele CA5341907.

ClinVar aggregate classification (germline): Likely benign. Review status: criteria provided, multiple submitters, no conflicts (2 of 4 stars). 3 submissions from 3 submitters: Likely benign (2). 1 of the submissions does not count toward it. Last evaluated 2024-08-01.

Conditions:
Familial thoracic aortic aneurysm and aortic dissection (TAAD). Also called: Thoracic aortic aneurysms and dissections. Identifiers: Orphanet 91387, MedGen C4707243, MONDO:0019625.
Adams-Oliver syndrome 5 (AOS5). Identifiers: Orphanet 974, MedGen C4014970, MONDO:0014459, OMIM 616028.
NOTCH1-related disorder. Also called: NOTCH1-related condition; NOTCH1-related disorders.

Allele frequency attached by ClinVar (database versions not stated): gnomAD exomes 0.00001 and 0.00004; ExAC 0.00006; ESP Exome Variant Server 0.00008; TOPMed 0.00008; gnomAD 0.00010 and 0.00011; 1000 Genomes Project 0.00040; 1000 Genomes Project 30x 0.00047.
gnomAD v4.1: 27 of 1,610,800 alleles (0.0017%); highest among the groups gnomAD compares: African/African-American, 0.033%; no homozygotes.

Submissions (3):

Labcorp Genetics (formerly Invitae), Labcorp
Classification: Likely benign for Adams-Oliver syndrome 5. Last evaluated: 2024-08-01. Review status: criteria provided, single submitter. Criteria: Invitae Variant Classification Sherloc (09022015). Collection method: clinical testing. Allele origin: germline.

Ambry Genetics
Classification: Likely benign for Familial thoracic aortic aneurysm and aortic dissection. Last evaluated: 2023-05-11. Review status: criteria provided, single submitter. Criteria: Ambry Variant Classification Scheme 2023. Collection method: clinical testing. Allele origin: germline.

PreventionGenetics, part of Exact Sciences
Classification: Likely benign for NOTCH1-related condition. Last evaluated: 2020-04-07. Review status: no assertion criteria provided. Collection method: clinical testing. Allele origin: germline. Not counted in ClinVar's aggregate classification.
Comment: This variant is classified as likely benign based on ACMG/AMP sequence variant interpretation guidelines (Richards et al. 2015 PMID: 25741868, with internal and published modifications).